The following is an entry in ClinVar:

NM_001184880.2(PCDH19):c.545G>C (p.Gly182Ala)

Gene: PCDH19 (protocadherin 19; minus strand). Cytogenetic location: Xq22.1.
Variant type: single nucleotide variant.
Coding change: c.545G>C on transcript NM_001184880.2 (MANE Select); coding-DNA position 545, G replaced by C.
Protein change: p.Gly182Ala; replaces glycine 182 with alanine.
Molecular consequence: missense variant.
Genome position (GRCh38, 1-based): chrX:100,408,053, C>G on the plus strand (G>C on the coding strand, the complement: PCDH19 is on the minus strand). VCF-style: chrX-100408053-C-G. GRCh37 (hg19) VCF-style: chrX-99663051-C-G.
Other names: c.545G>C, p.Gly182Ala (NM_001105243.2, NM_020766.3); short protein forms G182A.
Identifiers: ClinVar variation 167421 (VCV000167421.16), dbSNP rs727504067, ClinGen allele CA234492.

ClinVar aggregate classification (germline): Conflicting classifications of pathogenicity. Review status: criteria provided, conflicting classifications (1 of 4 stars). 3 submissions from 3 submitters: Uncertain significance (2); Likely benign (1). Last evaluated 2025-12-01.

Conditions:
Developmental and epileptic encephalopathy, 9 (DEE9). Also called: EPILEPSY, FEMALE-RESTRICTED, WITH MENTAL RETARDATION; JUBERG-HELLMAN SYNDROME; PCDH19-Related X-Linked Female-Limited Epilepsy with Mental Retardation; Early infantile epileptic encephalopathy 9. Identifiers: Orphanet 101039, Orphanet 2076, MedGen C1848137, MONDO:0010246, OMIM 300088. Disease mechanism: loss of function.

Allele frequency attached by ClinVar (database versions not stated): gnomAD exomes 0.00001; gnomAD 0.00009 and 0.00008; TOPMed 0.00005.

Submissions (3):

Labcorp Genetics (formerly Invitae), Labcorp
Classification: Uncertain significance for Developmental and epileptic encephalopathy, 9. Last evaluated: 2025-12-01. Review status: criteria provided, single submitter. Criteria: Invitae Variant Classification Sherloc (09022015). Collection method: clinical testing. Allele origin: germline.
Comment: This sequence change replaces glycine, which is neutral and non-polar, with alanine, which is neutral and non-polar, at codon 182 of the PCDH19 protein (p.Gly182Ala). This variant is present in population databases (rs727504067, gnomAD 0.02%). This variant has not been reported in the literature in individuals affected with PCDH19-related conditions. ClinVar contains an entry for this variant (Variation ID: 167421). Invitae Evidence Modeling of protein sequence and biophysical properties (such as structural, functional, and spatial information, amino acid conservation, physicochemical variation, residue mobility, and thermodynamic stability) has been performed for this missense variant. However, the output from this modeling did not meet the statistical confidence thresholds required to predict the impact of this variant on PCDH19 protein function. In summary, the available evidence is currently insufficient to determine the role of this variant in disease. Therefore, it has been classified as a Variant of Uncertain Significance.

GeneDx
Classification: Likely benign. Last evaluated: 2019-05-01. Review status: criteria provided, single submitter. Criteria: GeneDx Variant Classification Process June 2021. Collection method: clinical testing. Allele origin: germline. Affected: yes.

Eurofins Ntd Llc (ga)
Classification: Uncertain significance. Last evaluated: 2014-04-04. Review status: criteria provided, single submitter. Criteria: EGL Classification Definitions 2015. Collection method: clinical testing. Allele origin: germline. Observed: 1 variant allele, 1 hemizygote.